The following is an entry in ClinVar:

ClinVar aggregate classification (germline): Uncertain significance. Review status: criteria provided, multiple submitters, no conflicts (2 of 4 stars). 2 submissions from 2 submitters: Uncertain significance (2). Last evaluated 2025-10-02.

Allele frequency attached by ClinVar (database versions not stated): ExAC 0.00001; gnomAD 0.00002; TOPMed 0.00005.
gnomAD v4.1: 33 of 1,614,082 alleles (0.002%); highest among the groups gnomAD compares: Non-Finnish European, 0.0027%; no homozygotes.

Submissions (2):

Labcorp Genetics (formerly Invitae), Labcorp
Classification: Uncertain significance. Last evaluated: 2025-10-02. Review status: criteria provided, single submitter. Criteria: Invitae Variant Classification Sherloc (09022015). Collection method: clinical testing. Allele origin: germline.
Comment: This sequence change replaces methionine, which is neutral and non-polar, with leucine, which is neutral and non-polar, at codon 301 of the ARHGEF10 protein (p.Met301Leu). This variant is present in population databases (rs764672370, gnomAD 0.003%). This variant has not been reported in the literature in individuals affected with ARHGEF10-related conditions. ClinVar contains an entry for this variant (Variation ID: 2415395). An algorithm developed to predict the effect of missense changes on protein structure and function (PolyPhen-2) suggests that this variant is likely to be tolerated. In summary, the available evidence is currently insufficient to determine the role of this variant in disease. Therefore, it has been classified as a Variant of Uncertain Significance.

CeGaT Center for Human Genetics Tuebingen
Classification: Uncertain significance. Last evaluated: 2022-10-01. Review status: criteria provided, single submitter. Criteria: CeGaT Center For Human Genetics Tuebingen Variant Classification Criteria Version 2. Collection method: clinical testing. Allele origin: germline. Affected: yes. Observed: 1 variant allele.
Comment: ARHGEF10: PM2:Supporting, BP4

NM_014629.4(ARHGEF10):c.901A>C (p.Met301Leu)

Gene: ARHGEF10 (Rho guanine nucleotide exchange factor 10; plus strand). Cytogenetic location: 8p23.3.
Variant type: single nucleotide variant.
Coding change: c.901A>C on transcript NM_014629.4 (MANE Select); coding-DNA position 901, A replaced by C.
Protein change: p.Met301Leu; replaces methionine 301 with leucine.
Molecular consequence: missense variant. On other transcripts: intron variant (1).
Genome position (GRCh38, 1-based): chr8:1,880,105, A>C. VCF-style: chr8-1880105-A-C. GRCh37 (hg19) VCF-style: chr8-1828271-A-C.
Other names: c.904A>C, p.Met302Leu (NM_001308153.3); c.847-2530A>C (NM_001308152.2); short protein forms M301L, M326L, M302L.
Identifiers: ClinVar variation 2415395 (VCV002415395.31), dbSNP rs764672370, ClinGen allele CA4600099.